The following is an entry in ClinVar:

NM_001171.6(ABCC6):c.3074T>C (p.Leu1025Pro)

Gene: ABCC6 (ATP binding cassette subfamily C member 6; minus strand). Cytogenetic location: 16p13.11.
Variant type: single nucleotide variant.
Coding change: c.3074T>C on transcript NM_001171.6 (MANE Select); coding-DNA position 3074, T replaced by C.
Protein change: p.Leu1025Pro; replaces leucine 1025 with proline.
Molecular consequence: missense variant. On other transcripts: non-coding transcript variant (1).
Genome position (GRCh38, 1-based): chr16:16,165,855, A>G on the plus strand (T>C on the coding strand, the complement: ABCC6 is on the minus strand). VCF-style: chr16-16165855-A-G. GRCh37 (hg19) VCF-style: chr16-16259712-A-G.
Other names: c.2732T>C, p.Leu911Pro (NM_001351800.1); short protein forms L1025P, L911P.
Identifiers: ClinVar variation 433422 (VCV000433422.6), dbSNP rs1555509499, ClinGen allele CA394883273.
Genomic context (GRCh38, chr16:16,165,855, plus strand): 5'-AGCAGGTGACCAATGGGTGTCCGCTCAAAGAAGCTGATGGGAGATCGCACCACATCCCAC[A>G]GGAGCCTCTGGAAGAGCAACCTGGATGCCCGGGCCCCACCTAGGAGCACCGCAGCCATGG-3'
Protein context (NP_001162.5, residues 1015-1035): RASRLLFQRL[Leu1025Pro]WDVVRSPISF

ClinVar aggregate classification (germline): Conflicting classifications of pathogenicity. Review status: criteria provided, conflicting classifications (1 of 4 stars). 4 submissions from 4 submitters: Pathogenic (2); Likely pathogenic (1); Uncertain significance (1). Last evaluated 2025-10-03.

Conditions:
Autosomal recessive inherited pseudoxanthoma elasticum (PXE). Identifiers: Orphanet 758, MedGen CN032334, MONDO:0009925, OMIM 264800.
Arterial calcification, generalized, of infancy, 2. Identifiers: Orphanet 51608, MedGen C3276161, MONDO:0013768, OMIM 614473.
Pseudoxanthoma elasticum, forme fruste. Also called: Pseudoxanthoma Elasticum, Incomplete; PSEUDOXANTHOMA ELASTICUM, HETEROZYGOUS. Identifiers: Orphanet 758, MedGen C1867450, MONDO:0008333, OMIM 177850.
ABCC6-related disorder. Also called: ABCC6-related condition.

Allele frequency attached by ClinVar (database versions not stated): gnomAD exomes below 0.00001; gnomAD 0.00001; TOPMed 0.00001.
gnomAD v4.1: 3 of 1,613,212 alleles (0.00019%); highest among the groups gnomAD compares: Non-Finnish European, 0.00025%; no homozygotes.

Submissions (4):

Labcorp Genetics (formerly Invitae), Labcorp
Classification: Pathogenic. Last evaluated: 2025-10-03. Review status: criteria provided, single submitter. Criteria: Invitae Variant Classification Sherloc (09022015). Collection method: clinical testing. Allele origin: germline.
Comment: This sequence change replaces leucine, which is neutral and non-polar, with proline, which is neutral and non-polar, at codon 1025 of the ABCC6 protein (p.Leu1025Pro). This variant is not present in population databases (gnomAD no frequency). This missense change has been observed in individual(s) with pseudoxanthoma elasticum (PMID: 18157818, 34906475, 35261845). ClinVar contains an entry for this variant (Variation ID: 433422). Invitae Evidence Modeling of protein sequence and biophysical properties (such as structural, functional, and spatial information, amino acid conservation, physicochemical variation, residue mobility, and thermodynamic stability) indicates that this missense variant is expected to disrupt ABCC6 protein function with a positive predictive value of 95%. For these reasons, this variant has been classified as Pathogenic.

Fulgent Genetics
Classification: Likely pathogenic for Pseudoxanthoma elasticum, forme fruste; Autosomal recessive inherited pseudoxanthoma elasticum; Arterial calcification, generalized, of infancy, 2. Last evaluated: 2024-01-09. Review status: criteria provided, single submitter. Criteria: ACMG Guidelines, 2015. Collection method: clinical testing. Allele origin: germline.

Blueprint Genetics
Classification: Pathogenic for ABCC6-related disorders. Last evaluated: 2022-09-01. Review status: criteria provided, single submitter. Criteria: ACMG Guidelines, 2015. Collection method: clinical testing. Allele origin: germline. Affected: yes. Observed: 1 variant allele.

PXE International
Classification: Uncertain significance for Autosomal recessive inherited pseudoxanthoma elasticum. Last evaluated: 2021-02-02. Review status: criteria provided, single submitter. Criteria: Submitter's publication. Collection method: research. Allele origin: germline. Inheritance: Autosomal recessive inheritance. Affected: yes.

Literature cited by the submitters: PubMed 18157818 (cited by Labcorp Genetics (formerly Invitae), Labcorp and PXE International); PubMed 34906475 (cited by Labcorp Genetics (formerly Invitae), Labcorp); PubMed 35261845 (cited by Labcorp Genetics (formerly Invitae), Labcorp); PubMed 32873932 (cited by PXE International).